The following is an entry in ClinVar:

ClinVar aggregate classification (germline): Uncertain significance. Review status: criteria provided, multiple submitters, no conflicts (2 of 4 stars). 2 submissions from 2 submitters: Uncertain significance (2). Last evaluated 2025-08-30.

Conditions:
Hereditary pancreatitis (PCTT). Also called: Hereditary chronic pancreatitis; PRSS1-Related Hereditary Pancreatitis. Identifiers: Orphanet 676, MedGen C0238339, MONDO:0008185, OMIM 167800.

Submissions (2):

Labcorp Genetics (formerly Invitae), Labcorp
Classification: Uncertain significance for Hereditary pancreatitis. Last evaluated: 2025-08-30. Review status: criteria provided, single submitter. Criteria: Invitae Variant Classification Sherloc (09022015). Collection method: clinical testing. Allele origin: germline.
Comment: This variant, c.753_754insAACACCCGCAAGAAGCCGGTACTC, results in the insertion of 8 amino acid(s) of the CTRC protein (p.Val251_Tyr252insAsnThrArgLysLysProValLeu), but otherwise preserves the integrity of the reading frame. This variant is present in population databases (no rsID available, gnomAD 0.01%). This variant has not been reported in the literature in individuals affected with CTRC-related conditions. ClinVar contains an entry for this variant (Variation ID: 2983107). In summary, the available evidence is currently insufficient to determine the role of this variant in disease. Therefore, it has been classified as a Variant of Uncertain Significance.

Ambry Genetics
Classification: Uncertain significance for Hereditary pancreatitis. Last evaluated: 2024-04-25. Review status: criteria provided, single submitter. Criteria: Ambry Variant Classification Scheme 2023. Collection method: clinical testing. Allele origin: germline.
Comment: The c.753_754ins24 variant (also known as p.V251_Y252insNTRKKPVL), located in coding exon 7 of the CTRC gene, results from an in-frame 24 nucleotide insertion at nucleotide positions 753 to 754. This results in the insertion of an extra 8 residues (NTRKKPVL) between codons 251 and 252. This amino acid region is generally well conserved in available vertebrate species. In addition, this alteration is predicted to be deleterious by in silico analysis (Choi Y et al. PLoS ONE. 2012; 7(10):e46688). Based on the available evidence, the clinical significance of this variant remains unclear.

NM_007272.3(CTRC):c.753_754insAACACCCGCAAGAAGCCGGTACTC (p.Val251_Tyr252insAsnThrArgLysLysProValLeu)

Gene: CTRC (chymotrypsin C; plus strand). Cytogenetic location: 1p36.21.
Variant type: Insertion.
Coding change: c.753_754insAACACCCGCAAGAAGCCGGTACTC on transcript NM_007272.3 (MANE Select); coding-DNA positions 753 to 754, AACACCCGCAAGAAGCCGGTACTC inserted.
Protein change: p.Val251_Tyr252insAsnThrArgLysLysProValLeu.
Molecular consequence: inframe insertion.
Genome position: GRCh38 VCF-style: chr1-15445708-G-GTCAACACCCGCAAGAAGCCGGTAC. GRCh37 (hg19) VCF-style: chr1-15772203-G-GTCAACACCCGCAAGAAGCCGGTAC.
Other names: c.753_754insAACACCCGCAAGAAGCCGGTACTC (NM_007272.2).
Identifiers: ClinVar variation 2983107 (VCV002983107.4), dbSNP rs1391162403, ClinGen allele CA521458357.
Genomic context (GRCh38, chr1:15,445,708, plus strand): 5'-GTGTTTGGCATCGTCAGCTTTGGCTCCCGGCGGGGCTGCAACACCCGCAAGAAGCCGGTA[G>GTCAACACCCGCAAGAAGCCGGTAC]TCTACACCCGGGTGTCCGCCTACATCGACTGGATCAACGAGGTGGGTGCTGCCTCCACAG-3'